The following is an entry in ClinVar:

ClinVar aggregate classification (germline): Uncertain significance (1 of 4 stars; one submission).

Conditions:
Developmental and epileptic encephalopathy, 13 (DEE13). Also called: Early infantile epileptic encephalopathy 13; Developmental and Epileptic Encephalopathy (SCN8A-DEE); SCN8A-Related Epilepsy. Identifiers: Orphanet 442835, MedGen C3281191, MONDO:0013801, OMIM 614558.

Allele frequency attached by ClinVar (database versions not stated): gnomAD exomes below 0.00001.
gnomAD v4.1: 1 of 1,614,060 alleles (0.000062%); highest among the groups gnomAD compares: Non-Finnish European, 0.000085%; no homozygotes.

Submission:

3billion
Classification: Uncertain significance for Developmental and epileptic encephalopathy, 13. Last evaluated: 2022-09-01. Review status: criteria provided, single submitter. Criteria: ACMG Guidelines, 2015. Collection method: clinical testing. Allele origin: germline. Affected: yes. Observed: 1 heterozygote.
Comment: The variant is not observed in the gnomAD v2.1.1 dataset. Missense changes are a common disease-causing mechanism. In silico tool predictions suggest damaging effect of the variant on gene or gene product (REVEL: 0.95; 3Cnet: 0.97). A different missense change at the same codon (p.Thr258Ile) has been reported to be associated with SCN8A-related disorder (ClinVar ID: VCV000559632). However, as the evidence of pathogenicity is insufficient at this time, this variant is classified as uncertain significance according to the recommendation of ACMG/AMP guideline.

NM_001330260.2(SCN8A):c.772A>G (p.Thr258Ala)

Gene: SCN8A (sodium voltage-gated channel alpha subunit 8; plus strand). Cytogenetic location: 12q13.13.
Variant type: single nucleotide variant.
Coding change: c.772A>G on transcript NM_001330260.2 (MANE Select); coding-DNA position 772, A replaced by G.
Protein change: p.Thr258Ala; replaces threonine 258 with alanine.
Molecular consequence: missense variant.
Genome position (GRCh38, 1-based): chr12:51,699,635, A>G. VCF-style: chr12-51699635-A-G. GRCh37 (hg19) VCF-style: chr12-52093419-A-G.
Other names: c.772A>G, p.Thr258Ala (NM_001177984.3, NM_001369788.1, NM_014191.4); short protein forms T258A.
Identifiers: ClinVar variation 1705682 (VCV001705682.1), dbSNP rs2540172780, ClinGen allele CA385226487.